The following is an entry in ClinVar:

ClinVar aggregate classification (germline): Uncertain significance (1 of 4 stars; one submission).

Submission:

GeneDx
Classification: Uncertain significance. Last evaluated: 2024-05-31. Review status: criteria provided, single submitter. Criteria: GeneDx Variant Classification Process June 2021. Collection method: clinical testing. Allele origin: germline. Affected: yes.
Comment: Not observed at significant frequency in large population cohorts (gnomAD); In silico analysis indicates that this missense variant does not alter protein structure/function; Has not been previously published as pathogenic or benign to our knowledge

NM_016333.4(SRRM2):c.6499C>A (p.His2167Asn)

Gene: SRRM2 (serine/arginine repetitive matrix 2; plus strand). Cytogenetic location: 16p13.3.
Variant type: single nucleotide variant.
Coding change: c.6499C>A on transcript NM_016333.4 (MANE Select); coding-DNA position 6499, C replaced by A.
Protein change: p.His2167Asn; replaces histidine 2167 with asparagine.
Molecular consequence: missense variant.
Genome position (GRCh38, 1-based): chr16:2,767,027, C>A. VCF-style: chr16-2767027-C-A. GRCh37 (hg19) VCF-style: chr16-2817028-C-A.
Other names: short protein forms H2167N.
Identifiers: ClinVar variation 3383867 (VCV003383867.1).